The following is an entry in ClinVar:

NM_004753.7(DHRS3):c.89C>G (p.Pro30Arg)

Gene: DHRS3 (dehydrogenase/reductase 3; minus strand). Cytogenetic location: 1p36.21.
Variant type: single nucleotide variant.
Coding change: c.89C>G on transcript NM_004753.7 (MANE Select); coding-DNA position 89, C replaced by G.
Protein change: p.Pro30Arg; replaces proline 30 with arginine.
Molecular consequence: missense variant.
Genome position (GRCh38, 1-based): chr1:12,617,260, G>C on the plus strand (C>G on the coding strand, the complement: DHRS3 is on the minus strand). VCF-style: chr1-12617260-G-C. GRCh37 (hg19) VCF-style: chr1-12677265-G-C.
Other names: short protein forms P30R.
Identifiers: ClinVar variation 3053427 (VCV003053427.2), dbSNP rs201969624, ClinGen allele CA604795.

ClinVar aggregate classification (germline): Benign (0 of 4 stars; one submission).

Conditions:
DHRS3-related disorder. Also called: DHRS3-related condition.

Allele frequency attached by ClinVar (database versions not stated): TOPMed 0.00006; gnomAD 0.00038; gnomAD exomes 0.00065; ExAC 0.00167; 1000 Genomes Project 30x 0.00359; 1000 Genomes Project 0.00379.
gnomAD v4.1: 1,011 of 1,613,820 alleles (0.063%); highest among the groups gnomAD compares: South Asian, 1.1%; 16 homozygotes.

Submission:

PreventionGenetics, part of Exact Sciences
Classification: Benign for DHRS3-related condition. Last evaluated: 2019-08-12. Review status: no assertion criteria provided. Collection method: clinical testing. Allele origin: germline.
Comment: This variant is classified as benign based on ACMG/AMP sequence variant interpretation guidelines (Richards et al. 2015 PMID: 25741868, with internal and published modifications).